The following is an entry in ClinVar:

NM_024426.6(WT1):c.1088C>T (p.Thr363Met)

Gene: WT1 (WT1 transcription factor; minus strand). Cytogenetic location: 11p13.
Variant type: single nucleotide variant.
Coding change: c.1088C>T on transcript NM_024426.6 (MANE Select); coding-DNA position 1088, C replaced by T.
Protein change: p.Thr363Met; replaces threonine 363 with methionine.
Molecular consequence: missense variant. On other transcripts: 5 prime UTR variant (1), non-coding transcript variant (2).
Genome position (GRCh38, 1-based): chr11:32,399,973, G>A on the plus strand (C>T on the coding strand, the complement: WT1 is on the minus strand). VCF-style: chr11-32399973-G-A. GRCh37 (hg19) VCF-style: chr11-32421519-G-A.
Other names: c.1037C>T, p.Thr346Met (NM_000378.6, NM_001407045.1, NM_001407048.1 and 1 more transcripts); c.437C>T, p.Thr146Met (NM_001198551.2); c.386C>T, p.Thr129Met (NM_001198552.2); c.-101C>T (NM_001367854.1); c.1082C>T, p.Thr361Met (NM_001407044.1); c.1088C>T, p.Thr363Met (NM_001407046.1, NM_024424.5); c.965C>T, p.Thr322Met (NM_001407047.1); c.914C>T, p.Thr305Met (NM_001407050.1); and 2 more; short protein forms T305M, T363M, T109M, T129M, T322M, T341M, T346M, T358M.
Identifiers: ClinVar variation 2935357 (VCV002935357.3), dbSNP rs1852098454, ClinGen allele CA379960309.

ClinVar aggregate classification (germline): Uncertain significance (1 of 4 stars; one submission).

Conditions:
Drash syndrome (DDS). Also called: NEPHROPATHY, WILMS TUMOR, AND GENITAL ANOMALIES; WILMS TUMOR AND PSEUDO- OR TRUE HERMAPHRODITISM. Identifiers: Orphanet 220, MedGen C0950121, MONDO:0008682, OMIM 194080.
Wilms tumor 1 (WT1). Also called: Wilms tumor, somatic. Identifiers: Orphanet 654, MedGen CN033288, MONDO:0008679, OMIM 194070.
11p partial monosomy syndrome (WAGR). Also called: WAGR syndrome; WAGR Complex; CHROMOSOME 11p13 DELETION SYNDROME; WAGR Spectrum Disorder. Identifiers: Orphanet 893, MedGen C0206115, MONDO:0008681, OMIM 194072.
Frasier syndrome. Identifiers: Orphanet 347, MedGen C0950122, MeSH D052159, MONDO:0007635, OMIM 136680.

Submission:

Labcorp Genetics (formerly Invitae), Labcorp
Classification: Uncertain significance for Wilms tumor 1; Drash syndrome; 11p partial monosomy syndrome; Frasier syndrome. Last evaluated: 2023-05-25. Review status: criteria provided, single submitter. Criteria: Invitae Variant Classification Sherloc (09022015). Collection method: clinical testing. Allele origin: germline.
Comment: An algorithm developed to predict the effect of missense changes on protein structure and function (PolyPhen-2) suggests that this variant is likely to be disruptive. This variant has not been reported in the literature in individuals affected with WT1-related conditions. This variant is not present in population databases (gnomAD no frequency). This sequence change replaces threonine, which is neutral and polar, with methionine, which is neutral and non-polar, at codon 358 of the WT1 protein (p.Thr358Met). In summary, the available evidence is currently insufficient to determine the role of this variant in disease. Therefore, it has been classified as a Variant of Uncertain Significance.